The following is an entry in ClinVar:

NM_199420.4(POLQ):c.5468A>C (p.Glu1823Ala)

Gene: POLQ (DNA polymerase theta; minus strand). Cytogenetic location: 3q13.33.
Variant type: single nucleotide variant.
Coding change: c.5468A>C on transcript NM_199420.4 (MANE Select); coding-DNA position 5468, A replaced by C.
Protein change: p.Glu1823Ala; replaces glutamic acid 1823 with alanine.
Molecular consequence: missense variant.
Genome position (GRCh38, 1-based): chr3:121,487,463, T>G on the plus strand (A>C on the coding strand, the complement: POLQ is on the minus strand). VCF-style: chr3-121487463-T-G. GRCh37 (hg19) VCF-style: chr3-121206310-T-G.
Other names: short protein forms E1823A.
Identifiers: ClinVar variation 1747699 (VCV001747699.3), dbSNP rs773234525, ClinGen allele CA354090119.

ClinVar aggregate classification (germline): Uncertain significance (1 of 4 stars; one submission).

Allele frequency attached by ClinVar (database versions not stated): gnomAD 0.00001.

Submission:

Ambry Genetics
Classification: Uncertain significance. Last evaluated: 2024-04-04. Review status: criteria provided, single submitter. Criteria: Ambry Variant Classification Scheme 2023. Collection method: clinical testing. Allele origin: germline.
Comment: The p.E1823A variant (also known as c.5468A>C), located in coding exon 16 of the POLQ gene, results from an A to C substitution at nucleotide position 5468. The glutamic acid at codon 1823 is replaced by alanine, an amino acid with dissimilar properties. This amino acid position is conserved. In addition, this alteration is predicted to be tolerated by in silico analysis. Since supporting evidence is limited at this time, the clinical significance of this alteration remains unclear.